The following is an entry in ClinVar:

ClinVar aggregate classification (germline): Benign (1 of 4 stars; one submission).

Conditions:
Autosomal dominant nocturnal frontal lobe epilepsy 4. Also called: EPILEPSY, FAMILIAL, WITH NOCTURNAL WANDERING AND ICTAL FEAR; CHRNA2-Related Nocturnal Frontal Lobe Epilepsy, Autosomal Dominant. Identifiers: Orphanet 98784, MedGen C1835905, MONDO:0012474, OMIM 610353.

Allele frequency attached by ClinVar (database versions not stated): gnomAD 0.00225 and 0.00373; TOPMed 0.00281; 1000 Genomes Project 30x 0.01374; 1000 Genomes Project 0.01498.

Submission:

Illumina Laboratory Services, Illumina
Classification: Benign for Autosomal dominant nocturnal frontal lobe epilepsy 4. Last evaluated: 2018-01-13. Review status: criteria provided, single submitter. Criteria: ICSL Variant Classification Criteria 13 December 2019. Collection method: clinical testing. Allele origin: germline.
Comment: This variant was observed in the ICSL laboratory as part of a predisposition screen in an ostensibly healthy population. It had not been previously curated by ICSL or reported in the Human Gene Mutation Database (HGMD: prior to June 1st, 2018), and was therefore a candidate for classification through an automated scoring system. Utilizing variant allele frequency, disease prevalence and penetrance estimates, and inheritance mode, an automated score was calculated to assess if this variant is too frequent to cause the disease. Based on the score and internal cut-off values, a variant classified as benign is not then subjected to further curation. The score for this variant resulted in a classification of benign for this disease.

NM_000742.4(CHRNA2):c.-447T>A

Gene: CHRNA2 (cholinergic receptor nicotinic alpha 2 subunit; minus strand). Cytogenetic location: 8p21.2.
Variant type: single nucleotide variant.
Coding change: c.-447T>A on transcript NM_000742.4 (MANE Select); 447 bases upstream of the start codon, T replaced by A.
Molecular consequence: 5 prime UTR variant.
Genome position (GRCh38, 1-based): chr8:27,479,134, A>T on the plus strand (T>A on the coding strand, the complement: CHRNA2 is on the minus strand). VCF-style: chr8-27479134-A-T. GRCh37 (hg19) VCF-style: chr8-27336651-A-T.
Other names: c.-447T>A (NM_001282455.2); c.-874T>A (NM_001347705.2); c.-919T>A (NM_001347706.2); c.-920T>A (NM_001347707.2); c.-908T>A (NM_001347708.2).
Identifiers: ClinVar variation 362708 (VCV000362708.5), dbSNP rs75312501, ClinGen allele CA10630795.